The following is an entry in ClinVar:

NM_014806.5(RUSC2):c.1748G>A (p.Arg583Gln)

Gene: RUSC2 (RUN and SH3 domain containing 2; plus strand). Cytogenetic location: 9p13.3.
Variant type: single nucleotide variant.
Coding change: c.1748G>A on transcript NM_014806.5 (MANE Select); coding-DNA position 1748, G replaced by A.
Protein change: p.Arg583Gln; replaces arginine 583 with glutamine.
Molecular consequence: missense variant. On other transcripts: intron variant (1).
Genome position (GRCh38, 1-based): chr9:35,548,269, G>A. VCF-style: chr9-35548269-G-A. GRCh37 (hg19) VCF-style: chr9-35548266-G-A.
Other names: c.1748G>A, p.Arg583Gln (NM_001135999.2); c.-620-6791G>A (NM_001330740.2); c.1748G>A (NM_001135999.1); short protein forms R583Q.
Identifiers: ClinVar variation 1404825 (VCV001404825.7), dbSNP rs777699659, ClinGen allele CA5043721.

ClinVar aggregate classification (germline): Uncertain significance. Review status: criteria provided, multiple submitters, no conflicts (2 of 4 stars). 2 submissions from 2 submitters: Uncertain significance (2). Last evaluated 2024-10-08.

Allele frequency attached by ClinVar (database versions not stated): ExAC 0.00001; gnomAD exomes 0.00001; TOPMed 0.00001; gnomAD 0.00003.

Submissions (2):

Labcorp Genetics (formerly Invitae), Labcorp
Classification: Uncertain significance. Last evaluated: 2024-10-08. Review status: criteria provided, single submitter. Criteria: Invitae Variant Classification Sherloc (09022015). Collection method: clinical testing. Allele origin: germline.
Comment: This sequence change replaces arginine, which is basic and polar, with glutamine, which is neutral and polar, at codon 583 of the RUSC2 protein (p.Arg583Gln). This variant is present in population databases (rs777699659, gnomAD 0.004%). This variant has not been reported in the literature in individuals affected with RUSC2-related conditions. ClinVar contains an entry for this variant (Variation ID: 1404825). An algorithm developed to predict the effect of missense changes on protein structure and function outputs the following: PolyPhen-2: "Benign". The glutamine amino acid residue is found in multiple mammalian species, which suggests that this missense change does not adversely affect protein function. In summary, the available evidence is currently insufficient to determine the role of this variant in disease. Therefore, it has been classified as a Variant of Uncertain Significance.

Ambry Genetics
Classification: Uncertain significance. Last evaluated: 2022-11-03. Review status: criteria provided, single submitter. Criteria: Ambry Variant Classification Scheme 2023. Collection method: clinical testing. Allele origin: germline.